The following is an entry in ClinVar:

ClinVar aggregate classification (germline): Likely benign. Review status: criteria provided, multiple submitters, no conflicts (2 of 4 stars). 3 submissions from 3 submitters: Likely benign (3). Last evaluated 2025-10-26.

Conditions:
Cardiovascular phenotype. Identifiers: MedGen CN230736.

Allele frequency attached by ClinVar (database versions not stated): gnomAD exomes below 0.00001; TOPMed 0.00002; gnomAD 0.00003.
gnomAD v4.1: 6 of 1,614,042 alleles (0.00037%); highest among the groups gnomAD compares: African/African-American, 0.008%; no homozygotes.

Submissions (3):

Labcorp Genetics (formerly Invitae), Labcorp
Classification: Likely benign. Last evaluated: 2025-10-26. Review status: criteria provided, single submitter. Criteria: Invitae Variant Classification Sherloc (09022015). Collection method: clinical testing. Allele origin: germline.

Ambry Genetics
Classification: Likely benign for Cardiovascular phenotype. Last evaluated: 2021-04-01. Review status: criteria provided, single submitter. Criteria: Ambry Variant Classification Scheme 2023. Collection method: clinical testing. Allele origin: germline.

GeneDx
Classification: Likely benign. Last evaluated: 2017-10-24. Review status: criteria provided, single submitter. Criteria: GeneDx Variant Classification (06012015). Collection method: clinical testing. Allele origin: germline. Affected: yes.
Comment: This variant is considered likely benign or benign based on one or more of the following criteria: it is a conservative change, it occurs at a poorly conserved position in the protein, it is predicted to be benign by multiple in silico algorithms, and/or has population frequency not consistent with disease.

NM_020778.5(ALPK3):c.4902A>G (p.Gln1634=)

Gene: ALPK3 (alpha kinase 3; plus strand). Cytogenetic location: 15q25.3.
Variant type: single nucleotide variant.
Coding change: c.4902A>G on transcript NM_020778.5 (MANE Select); coding-DNA position 4902, A replaced by G.
Protein change: p.Gln1634=; no amino-acid change (glutamine 1634 retained).
Molecular consequence: synonymous variant.
Genome position (GRCh38, 1-based): chr15:84,868,240, A>G. VCF-style: chr15-84868240-A-G. GRCh37 (hg19) VCF-style: chr15-85411471-A-G.
Identifiers: ClinVar variation 512835 (VCV000512835.6), dbSNP rs1390506057, ClinGen allele CA492274569.